The following is an entry in ClinVar:

ClinVar aggregate classification (germline): Likely pathogenic (1 of 4 stars; one submission).

Submission:

GeneDx
Classification: Likely pathogenic. Last evaluated: 2026-10-15. Review status: criteria provided, single submitter. Criteria: GeneDx Variant Classification Process June 2021. Collection method: clinical testing. Allele origin: germline.
Comment: Identified in a cohort of patients with a clinical diagnosis of Wiedmann-Steiner syndrome in published literature (PMID: 33783954); Not observed at significant frequency in large population cohorts (gnomAD); In silico analysis supports that this missense variant has a deleterious effect on protein structure/function; This variant is associated with the following publications: (PMID: 33783954)

NM_001197104.2(KMT2A):c.3508T>C (p.Cys1170Arg)

Gene: KMT2A (lysine methyltransferase 2A; plus strand). Cytogenetic location: 11q23.3.
Variant type: single nucleotide variant.
Coding change: c.3508T>C on transcript NM_001197104.2 (MANE Select); coding-DNA position 3508, T replaced by C.
Protein change: p.Cys1170Arg; replaces cysteine 1170 with arginine.
Molecular consequence: missense variant.
Genome position (GRCh38, 1-based): chr11:118,478,140, T>C. VCF-style: chr11-118478140-T-C. GRCh37 (hg19) VCF-style: chr11-118348855-T-C.
Other names: c.3607T>C, p.Cys1203Arg (NM_001412597.1); c.3508T>C, p.Cys1170Arg (NM_005933.4); short protein forms C1170R, C1203R.
Identifiers: ClinVar variation 3776370 (VCV003776370.2).
Genomic context (GRCh38, chr11:118,478,140, plus strand): 5'-CGTCGATCGAGGCGGTGTGGGCAGTGTCCCGGCTGCCAGGTGCCTGAGGACTGTGGTGTT[T>C]GTACTAATTGCTTAGATAAGCCCAAGTTTGGTGGTCGCAATATAAAGAAGCAGTGCTGCA-3'
Protein context (NP_001184033.1, residues 1160-1180): GCQVPEDCGV[Cys1170Arg]TNCLDKPKFG